The following is an entry in ClinVar:

NM_016169.4(SUFU):c.683+17G>A

Gene: SUFU (SUFU negative regulator of hedgehog signaling; plus strand). Cytogenetic location: 10q24.32.
Variant type: single nucleotide variant.
Coding change: c.683+17G>A on transcript NM_016169.4 (MANE Select); 17 bases into the intron after coding-DNA position 683, G replaced by A.
Molecular consequence: intron variant.
Genome position (GRCh38, 1-based): chr10:102,593,738, G>A. VCF-style: chr10-102593738-G-A. GRCh37 (hg19) VCF-style: chr10-104353495-G-A.
Other names: c.683+17G>A (NM_001178133.2).
Identifiers: ClinVar variation 510937 (VCV000510937.9), dbSNP rs1027742260, ClinGen allele CA212266205.

ClinVar aggregate classification (germline): Likely benign. Review status: criteria provided, multiple submitters, no conflicts (2 of 4 stars). 2 submissions from 2 submitters: Likely benign (2). Last evaluated 2025-10-09.

Conditions:
Gorlin syndrome. Also called: Nevoid Basal Cell Carcinoma Syndrome; Basal cell nevus syndrome. Identifiers: Orphanet 377, MedGen C0004779, MONDO:0007187.
Medulloblastoma (MDB). Also called: MEDULLOBLASTOMA PREDISPOSITION SYNDROME; Medulloblastoma, somatic. Identifiers: Orphanet 616, MedGen C0025149, MeSH D008527, MONDO:0007959, OMIM 155255, HP:0002885.

Allele frequency attached by ClinVar (database versions not stated): gnomAD exomes below 0.00001; gnomAD 0.00001; TOPMed 0.00001.
gnomAD v4.1: 8 of 1,613,300 alleles (0.0005%); highest among the groups gnomAD compares: African/African-American, 0.0013%; no homozygotes.

Submissions (2):

Labcorp Genetics (formerly Invitae), Labcorp
Classification: Likely benign for Gorlin syndrome; Medulloblastoma. Last evaluated: 2025-10-09. Review status: criteria provided, single submitter. Criteria: Invitae Variant Classification Sherloc (09022015). Collection method: clinical testing. Allele origin: germline.

GeneDx
Classification: Likely benign. Last evaluated: 2017-07-17. Review status: criteria provided, single submitter. Criteria: GeneDx Variant Classification (06012015). Collection method: clinical testing. Allele origin: germline. Affected: yes.
Comment: This variant is considered likely benign or benign based on one or more of the following criteria: it is a conservative change, it occurs at a poorly conserved position in the protein, it is predicted to be benign by multiple in silico algorithms, and/or has population frequency not consistent with disease.